The following is an entry in ClinVar:

NM_014994.3(MAPKBP1):c.4219G>A (p.Ala1407Thr)

Gene: MAPKBP1 (mitogen-activated protein kinase binding protein 1; plus strand). Cytogenetic location: 15q15.1.
Variant type: single nucleotide variant.
Coding change: c.4219G>A on transcript NM_014994.3 (MANE Select); coding-DNA position 4219, G replaced by A.
Protein change: p.Ala1407Thr; replaces alanine 1407 with threonine.
Molecular consequence: missense variant. On other transcripts: non-coding transcript variant (2).
Genome position (GRCh38, 1-based): chr15:41,824,489, G>A. VCF-style: chr15-41824489-G-A. GRCh37 (hg19) VCF-style: chr15-42116687-G-A.
Other names: c.4237G>A, p.Ala1413Thr (NM_001128608.2); c.3388G>A, p.Ala1130Thr (NM_001265611.2); c.4237G>A (NM_001128608.1); short protein forms A1130T, A1413T, A1407T.
Identifiers: ClinVar variation 1496512 (VCV001496512.5), dbSNP rs760862307, ClinGen allele CA7498769.

ClinVar aggregate classification (germline): Uncertain significance. Review status: criteria provided, multiple submitters, no conflicts (2 of 4 stars). 3 submissions from 3 submitters: Uncertain significance (3). Last evaluated 2025-03-12.

Conditions:
Inborn genetic diseases. Identifiers: MedGen C0950123, MeSH D030342.
MAPKBP1-related disorder. Also called: MAPKBP1-related condition.

Allele frequency attached by ClinVar (database versions not stated): gnomAD exomes 0.00004 and 0.00022; gnomAD 0.00009 and 0.00010; TOPMed 0.00017; ExAC 0.00027.
gnomAD v4.1: 79 of 1,595,412 alleles (0.005%); highest among the groups gnomAD compares: Admixed American, 0.12%; no homozygotes.

Submissions (3):

PreventionGenetics, part of Exact Sciences
Classification: Uncertain significance for MAPKBP1-related condition. Last evaluated: 2025-03-12. Review status: criteria provided, single submitter. Criteria: ACMG Guidelines, 2015. Collection method: clinical testing. Allele origin: germline.
Comment: The MAPKBP1 c.4237G>A variant is predicted to result in the amino acid substitution p.Ala1413Thr. To our knowledge, this variant has not been reported in the literature. This variant is reported in 0.15% of alleles in individuals of Latino descent in gnomAD. Although we suspect that this variant may be benign, at this time, the clinical significance of this variant is uncertain due to the absence of conclusive functional and genetic evidence.

Ambry Genetics
Classification: Uncertain significance for Inborn genetic diseases. Last evaluated: 2025-01-17. Review status: criteria provided, single submitter. Criteria: Ambry Variant Classification Scheme 2023. Collection method: clinical testing. Allele origin: germline.

Labcorp Genetics (formerly Invitae), Labcorp
Classification: Uncertain significance. Last evaluated: 2022-06-25. Review status: criteria provided, single submitter. Criteria: Invitae Variant Classification Sherloc (09022015). Collection method: clinical testing. Allele origin: germline.
Comment: This sequence change replaces alanine, which is neutral and non-polar, with threonine, which is neutral and polar, at codon 1413 of the MAPKBP1 protein (p.Ala1413Thr). This variant is present in population databases (rs760862307, gnomAD 0.2%). This variant has not been reported in the literature in individuals affected with MAPKBP1-related conditions. Algorithms developed to predict the effect of missense changes on protein structure and function (SIFT, PolyPhen-2, Align-GVGD) all suggest that this variant is likely to be tolerated. In summary, the available evidence is currently insufficient to determine the role of this variant in disease. Therefore, it has been classified as a Variant of Uncertain Significance.